The following is an entry in ClinVar:

ClinVar aggregate classification (germline): Likely benign. Review status: criteria provided, single submitter (1 of 4 stars). 2 submissions from 2 submitters: Likely benign (1). 1 of the submissions does not count toward it. Last evaluated 2025-02-04.

Conditions:
IGF1R-related disorder. Also called: IGF1R-related condition.

Allele frequency attached by ClinVar (database versions not stated): gnomAD exomes below 0.00001; ExAC 0.00001; gnomAD 0.00001; TOPMed 0.00002.
gnomAD v4.1: 5 of 1,613,834 alleles (0.00031%); highest among the groups gnomAD compares: African/African-American, 0.0053%; no homozygotes.

Submissions (2):

Labcorp Genetics (formerly Invitae), Labcorp
Classification: Likely benign. Last evaluated: 2025-02-04. Review status: criteria provided, single submitter. Criteria: Invitae Variant Classification Sherloc (09022015). Collection method: clinical testing. Allele origin: germline.

PreventionGenetics, part of Exact Sciences
Classification: Likely benign for IGF1R-related condition. Last evaluated: 2020-07-15. Review status: no assertion criteria provided. Collection method: clinical testing. Allele origin: germline. Not counted in ClinVar's aggregate classification.
Comment: This variant is classified as likely benign based on ACMG/AMP sequence variant interpretation guidelines (Richards et al. 2015 PMID: 25741868, with internal and published modifications).

NM_000875.5(IGF1R):c.2856G>A (p.Val952=)

Gene: IGF1R (insulin like growth factor 1 receptor; plus strand). Cytogenetic location: 15q26.3.
Variant type: single nucleotide variant.
Coding change: c.2856G>A on transcript NM_000875.5 (MANE Select); coding-DNA position 2856, G replaced by A.
Protein change: p.Val952=; no amino-acid change (valine 952 retained).
Molecular consequence: synonymous variant.
Genome position (GRCh38, 1-based): chr15:98,929,631, G>A. VCF-style: chr15-98929631-G-A. GRCh37 (hg19) VCF-style: chr15-99472860-G-A.
Other names: c.2853G>A, p.Val951= (NM_001291858.2).
Identifiers: ClinVar variation 3036908 (VCV003036908.3), dbSNP rs35822346, ClinGen allele CA7752536.